The following is an entry in ClinVar:

NM_001267550.2(TTN):c.73444del (p.Thr24482fs)

Genes: TTN (titin; minus strand), TTN-AS1 (TTN antisense RNA 1; plus strand). Cytogenetic location: 2q31.2.
Variant type: Deletion.
Coding change: c.73444del on transcript NM_001267550.2 (MANE Select); coding-DNA position 73444, one base deleted (A; older notation c.73444delA).
Protein change: p.Thr24482fs; shifts the reading frame from threonine 24482.
Molecular consequence: frameshift variant.
Genome position (GRCh38, 1-based): chr2:178,572,688, T deleted on the plus strand (A on the coding strand, the reverse complement: TTN is on the minus strand). VCF-style (leftmost placement, unchanged base first): chr2-178572687-GT-G. GRCh37 (hg19) VCF-style: chr2-179437414-GT-G.
Other names: c.68521del, p.Thr22841fs (NM_001256850.1); c.46249del, p.Thr15417fs (NM_003319.4); c.65740del, p.Thr21914fs (NM_133378.4); c.46624del, p.Thr15542fs (NM_133432.3); c.46825del, p.Thr15609fs (NM_133437.4); short protein forms T15417fs, T15542fs, T15609fs, T21914fs, T22841fs, T24482fs.
Identifiers: ClinVar variation 3754536 (VCV003754536.2).

ClinVar aggregate classification (germline): Likely pathogenic (1 of 4 stars; one submission).

Conditions:
Autosomal recessive limb-girdle muscular dystrophy type 2J (LGMDR10). Also called: Limb-girdle muscular dystrophy, type 2J; MUSCULAR DYSTROPHY, LIMB-GIRDLE, AUTOSOMAL RECESSIVE 10. Identifiers: Orphanet 140922, MedGen C1837342, MONDO:0012127, OMIM 608807.
Dilated cardiomyopathy 1G (CMD1G). Identifiers: Orphanet 154, MedGen C1858763, MONDO:0011400, OMIM 604145.

Submission:

Labcorp Genetics (formerly Invitae), Labcorp
Classification: Likely pathogenic for Dilated cardiomyopathy 1G; Autosomal recessive limb-girdle muscular dystrophy type 2J. Last evaluated: 2024-02-09. Review status: criteria provided, single submitter. Criteria: Invitae Variant Classification Sherloc (09022015). Collection method: clinical testing. Allele origin: germline.
Comment: This sequence change creates a premature translational stop signal (p.Thr24482Profs*8) in the TTN gene. While this is not anticipated to result in nonsense mediated decay, it is expected to create a truncated TTN protein. This variant is not present in population databases (gnomAD no frequency). This variant has not been reported in the literature in individuals affected with TTN-related conditions. This variant is located in the A band of TTN (PMID: 25589632). Truncating variants in this region are significantly overrepresented in patients affected with dilated cardiomyopathy (PMID: 25589632). Truncating variants in this region have also been reported in individuals affected with autosomal recessive centronuclear myopathy (PMID: 23975875). In summary, the currently available evidence indicates that the variant is pathogenic, but additional data are needed to prove that conclusively. Therefore, this variant has been classified as Likely Pathogenic.

Literature cited by the submitters: PubMed 25589632; PubMed 23975875.